The following is an entry in ClinVar:

ClinVar aggregate classification (germline): Likely benign. Review status: criteria provided, multiple submitters, no conflicts (2 of 4 stars). 2 submissions from 2 submitters: Likely benign (2). Last evaluated 2025-07-14.

Conditions:
Epidermolysis bullosa simplex 5C, with pyloric atresia (EBS5C). Also called: PLEC-Related Epidermolysis Bullosa with Pyloric Atresia; Epidermolysis bullosa simplex with pyloric atresia; PLEC1-Related Epidermolysis Bullosa with Pyloric Atresia. Identifiers: Orphanet 158684, MedGen C2677349, MONDO:0012807, OMIM 612138.
Autosomal recessive limb-girdle muscular dystrophy type 2Q (LGMDR17). Also called: MUSCULAR DYSTROPHY, LIMB-GIRDLE, AUTOSOMAL RECESSIVE 17. Identifiers: Orphanet 254361, MedGen C3150989, MONDO:0013390, OMIM 613723.
Epidermolysis bullosa simplex 5B, with muscular dystrophy (EBS5B). Also called: Epidermolysis bullosa simplex with muscular dystrophy; EPIDERMOLYSIS BULLOSA SIMPLEX AND LIMB-GIRDLE MUSCULAR DYSTROPHY. Identifiers: Orphanet 257, MedGen C2931072, MONDO:0009181, OMIM 226670.
Epidermolysis bullosa simplex, Ogna type (EBS5A). Also called: Pidermolysis bullosa simplex 5A, Ogna type; EPIDERMOLYSIS BULLOSA SIMPLEX 5A, OGNA TYPE. Identifiers: Orphanet 79401, MedGen C0432317, MONDO:0007555, OMIM 131950.
Epidermolysis bullosa simplex with nail dystrophy (EBS5D). Identifiers: MedGen C4225309, MONDO:0014661, OMIM 616487.

Allele frequency attached by ClinVar (database versions not stated): gnomAD 0.00004 and 0.00005; ExAC 0.00006; TOPMed 0.00007; 1000 Genomes Project 0.00020; 1000 Genomes Project 30x 0.00031.
gnomAD v4.1: 73 of 1,610,254 alleles (0.0045%); highest among the groups gnomAD compares: Middle Eastern, 0.017%; no homozygotes.

Submissions (2):

Labcorp Genetics (formerly Invitae), Labcorp
Classification: Likely benign for Autosomal recessive limb-girdle muscular dystrophy type 2Q; Epidermolysis bullosa simplex, Ogna type; Epidermolysis bullosa simplex with nail dystrophy; Epidermolysis bullosa simplex 5C, with pyloric atresia; Epidermolysis bullosa simplex 5B, with muscular dystrophy. Last evaluated: 2025-07-14. Review status: criteria provided, single submitter. Criteria: Invitae Variant Classification Sherloc (09022015). Collection method: clinical testing. Allele origin: germline.

GeneDx
Classification: Likely benign. Last evaluated: 2018-01-29. Review status: criteria provided, single submitter. Criteria: GeneDx Variant Classification (06012015). Collection method: clinical testing. Allele origin: germline. Affected: yes.
Comment: This variant is considered likely benign or benign based on one or more of the following criteria: it is a conservative change, it occurs at a poorly conserved position in the protein, it is predicted to be benign by multiple in silico algorithms, and/or has population frequency not consistent with disease.

NM_201384.3(PLEC):c.11274C>T (p.His3758=)

Gene: PLEC (plectin; minus strand). Cytogenetic location: 8q24.3.
Variant type: single nucleotide variant.
Coding change: c.11274C>T on transcript NM_201384.3 (MANE Select); coding-DNA position 11274, C replaced by T.
Protein change: p.His3758=; no amino-acid change (histidine 3758 retained).
Molecular consequence: synonymous variant.
Genome position (GRCh38, 1-based): chr8:143,918,547, G>A on the plus strand (C>T on the coding strand, the complement: PLEC is on the minus strand). VCF-style: chr8-143918547-G-A. GRCh37 (hg19) VCF-style: chr8-144992715-G-A.
Other names: c.11355C>T, p.His3785= (NM_000445.5); c.11232C>T, p.His3744= (NM_201378.4); c.11208C>T, p.His3736= (NM_201379.3); c.11685C>T, p.His3895= (NM_201380.4); c.11178C>T, p.His3726= (NM_201381.3); c.11274C>T, p.His3758= (NM_201382.4); c.11286C>T, p.His3762= (NM_201383.3).
Identifiers: ClinVar variation 514877 (VCV000514877.10), dbSNP rs530897932, ClinGen allele CA4924394.